The following is an entry in ClinVar:

NM_001370298.3(FGD4):c.2554A>G (p.Lys852Glu)

Gene: FGD4 (FYVE, RhoGEF and PH domain containing 4; plus strand). Cytogenetic location: 12p11.21.
Variant type: single nucleotide variant.
Coding change: c.2554A>G on transcript NM_001370298.3 (MANE Select); coding-DNA position 2554, A replaced by G.
Protein change: p.Lys852Glu; replaces lysine 852 with glutamic acid.
Molecular consequence: missense variant.
Genome position (GRCh38, 1-based): chr12:32,640,375, A>G. VCF-style: chr12-32640375-A-G. GRCh37 (hg19) VCF-style: chr12-32793309-A-G.
Other names: c.2398A>G, p.Lys800Glu (NM_001304481.2); c.1111A>G, p.Lys371Glu (NM_001304484.2); c.1864A>G, p.Lys622Glu (NM_001330373.2, NM_001330374.2, NM_001384130.1); c.1591A>G, p.Lys531Glu (NM_001370297.1); c.2554A>G, p.Lys852Glu (NM_001384126.1); c.2143A>G, p.Lys715Glu (NM_001384127.1, NM_001384128.1, NM_001385118.1 and 1 more transcripts); short protein forms K371E, K800E, K622E, K715E, K531E, K852E.
Identifiers: ClinVar variation 852865 (VCV000852865.9), dbSNP rs1951098766, ClinGen allele CA384372429.
Genomic context (GRCh38, chr12:32,640,375, plus strand): 5'-GTGGTGGATGAAATGCCAAGGAGCGCAGACCTGCCACACAGTTTCAAACTGACCCAGTCT[A>G]AGTCCGTGCACAGCTTTGCTGCAGACAGTGAGGAACTGAAGCAGAAGTGGCTGAAAGTCA-3'
Protein context (NP_001357227.2, residues 842-862): LPHSFKLTQS[Lys852Glu]SVHSFAADSE

ClinVar aggregate classification (germline): Uncertain significance (1 of 4 stars; one submission).

Conditions:
Charcot-Marie-Tooth disease type 4. Also called: Charcot-Marie-Tooth disease, type IV; Charcot-Marie-Tooth, Type 4. Identifiers: Orphanet 64749, MedGen C4082197, MONDO:0018995.

Allele frequency attached by ClinVar (database versions not stated): gnomAD exomes below 0.00001; TOPMed below 0.00001.
gnomAD v4.1: 2 of 1,614,192 alleles (0.00012%); highest among the groups gnomAD compares: Non-Finnish European, 0.00017%; no homozygotes.

Submission:

Labcorp Genetics (formerly Invitae), Labcorp
Classification: Uncertain significance for Charcot-Marie-Tooth disease type 4. Last evaluated: 2019-12-11. Review status: criteria provided, single submitter. Criteria: Invitae Variant Classification Sherloc (09022015). Collection method: clinical testing. Allele origin: germline.
Comment: In summary, the available evidence is currently insufficient to determine the role of this variant in disease. Therefore, it has been classified as a Variant of Uncertain Significance. Algorithms developed to predict the effect of missense changes on protein structure and function (SIFT, PolyPhen-2, Align-GVGD) all suggest that this variant is likely to be disruptive, but these predictions have not been confirmed by published functional studies and their clinical significance is uncertain. This variant has not been reported in the literature in individuals with FGD4-related conditions. This variant is not present in population databases (ExAC no frequency). This sequence change replaces lysine with glutamic acid at codon 715 of the FGD4 protein (p.Lys715Glu). The lysine residue is highly conserved and there is a small physicochemical difference between lysine and glutamic acid.